The following is an entry in ClinVar:

ClinVar aggregate classification (germline): Uncertain significance. Review status: criteria provided, multiple submitters, no conflicts (2 of 4 stars). 2 submissions from 2 submitters: Uncertain significance (2). Last evaluated 2022-01-28.

Allele frequency attached by ClinVar (database versions not stated): TOPMed 0.00002; gnomAD exomes 0.00003.

Submissions (2):

Blueprint Genetics
Classification: Uncertain significance. Last evaluated: 2022-01-28. Review status: criteria provided, single submitter. Criteria: ACMG Guidelines, 2015. Collection method: clinical testing. Allele origin: germline.

Labcorp Genetics (formerly Invitae), Labcorp
Classification: Uncertain significance. Last evaluated: 2022-01-17. Review status: criteria provided, single submitter. Criteria: Invitae Variant Classification Sherloc (09022015). Collection method: clinical testing. Allele origin: germline.
Comment: This sequence change affects the initiator methionine of the IDH3A mRNA. The next in-frame methionine is located at codon 51. The frequency data for this variant in the population databases is considered unreliable, as metrics indicate poor data quality at this position in the gnomAD database. This variant has not been reported in the literature in individuals affected with IDH3A-related conditions. ClinVar contains an entry for this variant (Variation ID: 1018005). Experimental studies and prediction algorithms are not available or were not evaluated, and the functional significance of this variant is currently unknown. In summary, the available evidence is currently insufficient to determine the role of this variant in disease. Therefore, it has been classified as a Variant of Uncertain Significance.

NM_005530.3(IDH3A):c.2T>C (p.Met1Thr)

Genes: IDH3A (isocitrate dehydrogenase (NAD(+)) 3 catalytic subunit alpha; plus strand), LOC130057684 (ATAC-STARR-seq lymphoblastoid silent region 6706; plus strand). Cytogenetic location: 15q25.1.
Variant type: single nucleotide variant.
Coding change: c.2T>C on transcript NM_005530.3 (MANE Select); coding-DNA position 2, T replaced by C.
Protein change: p.Met1Thr; changes the start codon (methionine 1).
Molecular consequence: missense variant, initiator codon variant.
Genome position (GRCh38, 1-based): chr15:78,149,405, T>C. VCF-style: chr15-78149405-T-C. GRCh37 (hg19) VCF-style: chr15-78441747-T-C.
Other names: short protein forms M1T.
Identifiers: ClinVar variation 1018005 (VCV001018005.6), dbSNP rs1353606657, ClinGen allele CA393554773.